The following is an entry in ClinVar:

ClinVar aggregate classification (germline): Uncertain significance (1 of 4 stars; one submission).

Conditions:
Inborn genetic diseases. Identifiers: MedGen C0950123, MeSH D030342.

gnomAD v4.1: 1 of 1,612,352 alleles (0.000062%); highest among the groups gnomAD compares: Non-Finnish European, 0.000085%; no homozygotes.

Submission:

Ambry Genetics
Classification: Uncertain significance for Inborn genetic diseases. Last evaluated: 2025-03-29. Review status: criteria provided, single submitter. Criteria: Ambry Variant Classification Scheme 2023. Collection method: clinical testing. Allele origin: germline.
Comment: The p.S726Y variant (also known as c.2177C>A), located in coding exon 24 of the RTEL1 gene, results from a C to A substitution at nucleotide position 2177. The serine at codon 726 is replaced by tyrosine, an amino acid with dissimilar properties. This amino acid position is conserved. In addition, the in silico prediction for this alteration is inconclusive. Based on the available evidence, the clinical significance of this variant remains unclear.

NM_001283009.2(RTEL1):c.2177C>A (p.Ser726Tyr)

Genes: RTEL1 (regulator of telomere elongation helicase 1; plus strand), RTEL1-TNFRSF6B (RTEL1-TNFRSF6B readthrough (NMD candidate); plus strand). Cytogenetic location: 20q13.33.
Variant type: single nucleotide variant.
Coding change: c.2177C>A on transcript NM_001283009.2 (MANE Select); coding-DNA position 2177, C replaced by A.
Protein change: p.Ser726Tyr; replaces serine 726 with tyrosine.
Molecular consequence: missense variant. On other transcripts: non-coding transcript variant (1).
Genome position (GRCh38, 1-based): chr20:63,690,122, C>A. VCF-style: chr20-63690122-C-A. GRCh37 (hg19) VCF-style: chr20-62321475-C-A.
Other names: c.1508C>A, p.Ser503Tyr (NM_001283010.1); c.2177C>A, p.Ser726Tyr (NM_016434.4); c.2249C>A, p.Ser750Tyr (NM_032957.5); short protein forms S503Y, S750Y, S726Y.
Identifiers: ClinVar variation 3948270 (VCV003948270.1).